The following is an entry in ClinVar:

NC_000014.8:g.(?_97326874)_(97327092_?)del

Gene: VRK1 (VRK serine/threonine kinase 1; plus strand). Cytogenetic location: 14q32.2.
Variant type: Deletion.
Identifiers: ClinVar variation 1455719 (VCV001455719.45).

ClinVar aggregate classification (germline): Pathogenic (1 of 4 stars; one submission).

Conditions:
Pontocerebellar hypoplasia type 1A (PCH1A). Also called: PONTOCEREBELLAR HYPOPLASIA WITH ANTERIOR HORN CELL DISEASE; PONTOCEREBELLAR HYPOPLASIA WITH INFANTILE SPINAL MUSCULAR ATROPHY. Identifiers: Orphanet 2254, Orphanet 88616, MedGen C1843504, MONDO:0011866, OMIM 607596.

Submission:

Labcorp Genetics (formerly Invitae), Labcorp
Classification: Pathogenic for Pontocerebellar hypoplasia type 1A. Last evaluated: 2021-04-14. Review status: criteria provided, single submitter. Criteria: Invitae Variant Classification Sherloc (09022015). Collection method: clinical testing. Allele origin: germline.
Comment: For these reasons, this variant has been classified as Pathogenic. This variant has not been reported in the literature in individuals with VRK1-related conditions. This variant is a gross deletion of the genomic region encompassing exon(s) 11 of the VRK1 gene. This deletion is out-of-frame, and is expected to create a premature translational stop signal and result in an absent or disrupted protein product. Loss-of-function variants in VRK1 are known to be pathogenic (PMID: 19646678, 24126608, 27281532).

Literature cited by the submitters: PubMed 19646678; PubMed 24126608; PubMed 27281532.